The following is an entry in ClinVar:

ClinVar aggregate classification (germline): Pathogenic (1 of 4 stars; one submission).

Conditions:
Multiple acyl-CoA dehydrogenase deficiency (MADD). Also called: Glutaric acidemia type II; GA 2; Glutaric aciduria, type 2; ETHYLMALONIC-ADIPICACIDURIA; GA II; Glutaric Acidemia type 2. Identifiers: Orphanet 26791, MedGen C0268596, MONDO:0009282, OMIM 231680.

Allele frequency attached by ClinVar (database versions not stated): gnomAD exomes below 0.00001; ExAC 0.00001.

Submission:

Labcorp Genetics (formerly Invitae), Labcorp
Classification: Pathogenic for Multiple acyl-CoA dehydrogenase deficiency. Last evaluated: 2023-03-21. Review status: criteria provided, single submitter. Criteria: Invitae Variant Classification Sherloc (09022015). Collection method: clinical testing. Allele origin: germline.
Comment: This sequence change creates a premature translational stop signal (p.Leu121Argfs*17) in the ETFB gene. It is expected to result in an absent or disrupted protein product. Loss-of-function variants in ETFB are known to be pathogenic (PMID: 16510302, 23785301). This variant is present in population databases (rs758137319, gnomAD 0.003%). This variant has not been reported in the literature in individuals affected with ETFB-related conditions. For these reasons, this variant has been classified as Pathogenic.

Literature cited by the submitters: PubMed 16510302; PubMed 23785301.

NM_001985.3(ETFB):c.362del (p.Leu121fs)

Gene: ETFB (electron transfer flavoprotein subunit beta; minus strand). Cytogenetic location: 19q13.41.
Variant type: Deletion.
Coding change: c.362del on transcript NM_001985.3 (MANE Select); coding-DNA position 362, one base deleted (T; older notation c.362delT).
Protein change: p.Leu121fs; shifts the reading frame from leucine 121.
Molecular consequence: frameshift variant.
Genome position (GRCh38, 1-based): chr19:51,353,145, A deleted on the plus strand (T on the coding strand, the reverse complement: ETFB is on the minus strand). VCF-style (leftmost placement, unchanged base first): chr19-51353144-CA-C. GRCh37 (hg19) VCF-style: chr19-51856398-CA-C.
Other names: c.635del, p.Leu212fs (NM_001014763.1); short protein forms L212fs, L121fs.
Identifiers: ClinVar variation 2848141 (VCV002848141.3), dbSNP rs758137319, ClinGen allele CA9610789.